The following is an entry in ClinVar:

NM_000038.6(APC):c.5781del (p.Gln1928fs)

Gene: APC (APC regulator of Wnt signaling pathway; plus strand). Cytogenetic location: 5q22.2.
Variant type: Deletion.
Coding change: c.5781del on transcript NM_000038.6 (MANE Select); coding-DNA position 5781, one base deleted (T; older notation c.5781delT).
Protein change: p.Gln1928fs; shifts the reading frame from glutamine 1928.
Molecular consequence: frameshift variant.
Genome position (GRCh38, 1-based): chr5:112,841,375, T deleted; the last of 2 consecutive T bases (chr5:112,841,374-112,841,375); deleting either gives the same sequence. VCF-style (leftmost placement, unchanged base first): chr5-112841373-CT-C. GRCh37 (hg19) VCF-style: chr5-112177070-CT-C.
Other names: c.5781del, p.Gln1928fs (NM_001127510.3, NM_001354895.2); c.5727del, p.Gln1910fs (NM_001127511.3); c.5835del, p.Gln1946fs (NM_001354896.2); c.5811del, p.Gln1938fs (NM_001354897.2); c.5706del, p.Gln1903fs (NM_001354898.2); c.5697del, p.Gln1900fs (NM_001354899.2); c.5658del, p.Gln1887fs (NM_001354900.2); c.5604del, p.Gln1869fs (NM_001354901.2); and 6 more; short protein forms Q1802fs, Q1827fs, Q1768fs, Q1869fs, Q1900fs, Q1946fs, Q1645fs, Q1887fs.
Identifiers: ClinVar variation 956305 (VCV000956305.13), dbSNP rs1766043404, ClinGen allele CA1139659020.

ClinVar aggregate classification (germline): Pathogenic. Review status: criteria provided, multiple submitters, no conflicts (2 of 4 stars). 3 submissions from 3 submitters: Pathogenic (3). Last evaluated 2024-09-28.

Conditions:
Hereditary cancer-predisposing syndrome. Also called: Hereditary neoplastic syndrome; Tumor predisposition; Neoplastic Syndromes, Hereditary; Hereditary Cancer Syndrome. Identifiers: Orphanet 140162, MedGen C0027672, MeSH D009386, MONDO:0015356.
Familial adenomatous polyposis 1 (FAP1). Also called: FAMILIAL ADENOMATOUS POLYPOSIS 1, ATTENUATED; POLYPOSIS, ADENOMATOUS INTESTINAL. Identifiers: MedGen C2713442, MONDO:0021056, OMIM 175100. Disease mechanism: loss of function.

Submissions (3):

Labcorp Genetics (formerly Invitae), Labcorp
Classification: Pathogenic for Familial adenomatous polyposis 1. Last evaluated: 2024-09-28. Review status: criteria provided, single submitter. Criteria: Invitae Variant Classification Sherloc (09022015). Collection method: clinical testing. Allele origin: germline.
Comment: This sequence change creates a premature translational stop signal (p.Gln1928Argfs*42) in the APC gene. While this is not anticipated to result in nonsense mediated decay, it is expected to disrupt the last 916 amino acid(s) of the APC protein. This variant is not present in population databases (gnomAD no frequency). This premature translational stop signal has been observed in individual(s) with clinical features of familial adenomatous polyposis (PMID: 20685668, 23159591). This variant is also known as c.5782del. ClinVar contains an entry for this variant (Variation ID: 956305). This variant is expected to disrupt the EB1 and HDLG binding sites, which mediate interactions with the cytoskeleton (PMID: 15311282, 17293347). While functional studies have not been performed to directly test the effect on APC protein function, this suggests that disruption of the C-terminal portion of the protein is functionally important. A different truncation (p.Tyr2645Lysfs*14) that lies downstream of this variant has been determined to be pathogenic (PMID: 9824584, 1316610, 27081525, 8381579, 22135120, internal data). This suggests that deletion of this region of the APC protein is causative of disease. For these reasons, this variant has been classified as Pathogenic.

Ambry Genetics
Classification: Pathogenic for Hereditary cancer-predisposing syndrome. Last evaluated: 2024-04-06. Review status: criteria provided, single submitter. Criteria: Ambry Variant Classification Scheme 2023. Collection method: clinical testing. Allele origin: germline.
Comment: The c.5781delT pathogenic mutation, located in coding exon 15 of the APC gene, results from a deletion of one nucleotide at nucleotide position 5781, causing a translational frameshift with a predicted alternate stop codon (p.Q1928Rfs*42). This variant has been observed in individuals with a personal and/or family history that is consistent with APC-associated disease (Ambry internal data; Moriichi K et al. Int J Colorectal Dis, 2020 Oct;35:1967-1972; Tanabe H et al. Mol Genet Genomic Med, 2020 Sep;8:e1348). This variant is considered to be rare based on population cohorts in the Genome Aggregation Database (gnomAD). This alteration is expected to result in loss of function by premature protein truncation or nonsense-mediated mRNA decay. As such, this alteration is interpreted as a disease-causing mutation.

Myriad Genetics, Inc.
Classification: Pathogenic for Familial adenomatous polyposis 1. Last evaluated: 2023-05-12. Review status: criteria provided, single submitter. Criteria: Myriad Autosomal Dominant, Autosomal Recessive and X-Linked Classification Criteria (2023). Collection method: clinical testing. Allele origin: unknown.
Comment: This variant is considered pathogenic. This variant creates a frameshift predicted to result in premature protein truncation.

Literature cited by the submitters: PubMed 20685668 (cited by Labcorp Genetics (formerly Invitae), Labcorp); PubMed 23159591 (cited by Labcorp Genetics (formerly Invitae), Labcorp); PubMed 15311282 (cited by Labcorp Genetics (formerly Invitae), Labcorp); PubMed 17293347 (cited by Labcorp Genetics (formerly Invitae), Labcorp); PubMed 9824584 (cited by Labcorp Genetics (formerly Invitae), Labcorp); PubMed 1316610 (cited by Labcorp Genetics (formerly Invitae), Labcorp); PubMed 27081525 (cited by Labcorp Genetics (formerly Invitae), Labcorp); PubMed 8381579 (cited by Labcorp Genetics (formerly Invitae), Labcorp); PubMed 22135120 (cited by Labcorp Genetics (formerly Invitae), Labcorp); PubMed 32504335 (cited by Ambry Genetics); PubMed 32543103 (cited by Ambry Genetics).